The following is an entry in ClinVar:

ClinVar aggregate classification (germline): Uncertain significance (1 of 4 stars; one submission).

Conditions:
Hereditary cancer-predisposing syndrome. Also called: Neoplastic Syndromes, Hereditary; Hereditary Cancer Syndrome; Tumor predisposition; Hereditary neoplastic syndrome. Identifiers: Orphanet 140162, MedGen C0027672, MeSH D009386, MONDO:0015356.

Submission:

Ambry Genetics
Classification: Uncertain significance for Hereditary cancer-predisposing syndrome. Last evaluated: 2025-01-13. Review status: criteria provided, single submitter. Criteria: Ambry Variant Classification Scheme 2023. Collection method: clinical testing. Allele origin: germline.
Comment: The p.T626A variant (also known as c.1876A>G), located in coding exon 14 of the SDHA gene, results from an A to G substitution at nucleotide position 1876. The threonine at codon 626 is replaced by alanine, an amino acid with similar properties. This amino acid position is conserved. In addition, this alteration is predicted to be deleterious by in silico analysis. Based on the available evidence, the clinical significance of this variant remains unclear.

NM_004168.4(SDHA):c.1876A>G (p.Thr626Ala)

Gene: SDHA (succinate dehydrogenase complex flavoprotein subunit A; plus strand). Cytogenetic location: 5p15.33.
Variant type: single nucleotide variant.
Coding change: c.1876A>G on transcript NM_004168.4 (MANE Select); coding-DNA position 1876, A replaced by G.
Protein change: p.Thr626Ala; replaces threonine 626 with alanine.
Molecular consequence: missense variant.
Genome position (GRCh38, 1-based): chr5:254,474, A>G. VCF-style: chr5-254474-A-G. GRCh37 (hg19) VCF-style: chr5-254589-A-G.
Other names: c.1732A>G, p.Thr578Ala (NM_001294332.2); c.1633A>G, p.Thr545Ala (NM_001330758.2); short protein forms T578A, T545A, T626A.
Identifiers: ClinVar variation 3793518 (VCV003793518.1).
Genomic context (GRCh38, chr5:254,474, plus strand): 5'-TACTCCAAGCCCATCCAGGGGCAACAGAAGAAGCCCTTTGAGGAGCACTGGAGGAAGCAC[A>G]CCCTGTCCTATGTGGACGTTGGCACTGGGAAGGTCAGTGTGGAGCTCGTTCTCACCACAG-3'
Protein context (NP_004159.2, residues 616-636): KPFEEHWRKH[Thr626Ala]LSYVDVGTGK